The following is an entry in ClinVar:

ClinVar aggregate classification (germline): Pathogenic. Review status: criteria provided, single submitter (1 of 4 stars). 3 submissions from 3 submitters: Pathogenic (1). 2 of the submissions do not count toward it. Last evaluated 2015-12-17.

Conditions:
NR1H4-related disorder. Also called: NR1H4-related condition.
Cholestasis, progressive familial intrahepatic, 5 (PFIC5). Identifiers: Orphanet 480476, MedGen C4310747, MONDO:0014884, OMIM 617049.
Progressive familial intrahepatic cholestasis type 1. Also called: BYLER DISEASE; Severe ATP8B1 Deficiency (Progressive Familial Intrahepatic Cholestasis Type 1 [PFIC1]); Byler's disease. Identifiers: Orphanet 79306, MedGen C4551898, MONDO:0008892, OMIM 211600.

Submissions (3):

Baylor Genetics
Classification: Pathogenic for Progressive familial intrahepatic cholestasis. Last evaluated: 2015-12-17. Review status: criteria provided, single submitter. Criteria: Submitter's publication. Collection method: clinical testing. Allele origin: maternal. Inheritance: Autosomal recessive inheritance. Affected: yes. Observed: 1 variant allele, 1 compound heterozygote.
Comment: This variant was found in compound heterozygous status with another exonic deletion in two affected members of a Caucasian family

PreventionGenetics, part of Exact Sciences
Classification: Uncertain significance for NR1H4-related condition. Last evaluated: 2024-08-26. Review status: no assertion criteria provided. Collection method: clinical testing. Allele origin: germline. Not counted in ClinVar's aggregate classification.
Comment: The NR1H4 c.419_420insAAA variant is predicted to result in an in-frame amino acid insertion (p.Tyr139_Asn140insLys). This variant was reported in the compound heterozygous state with another exonic deletion in two related individuals with familial intrahepatic cholestasis (Gomez-Ospina et al 2016. PubMed ID: 26888176). This variant is reported in 0.00088% of alleles in individuals of European (Non-Finnish) descent in gnomAD. This variant has interpretations of pathogenic in ClinVar. Although we suspect that this variant may be pathogenic, at this time, the clinical significance of this variant is uncertain due to the absence of conclusive functional and genetic evidence.

OMIM
Classification: Pathogenic for CHOLESTASIS, PROGRESSIVE FAMILIAL INTRAHEPATIC, 5. Last evaluated: 2016-07-27. Review status: no assertion criteria provided. Collection method: literature only. Allele origin: germline. Not counted in ClinVar's aggregate classification.

Literature cited by the submitters: PubMed 26888176 (cited by OMIM).

NM_001206979.2(NR1H4):c.419_420insAAA (p.Tyr139_Asn140insLys)

Gene: NR1H4 (nuclear receptor subfamily 1 group H member 4; plus strand). Cytogenetic location: 12q23.1.
Variant type: Insertion.
Coding change: c.419_420insAAA on transcript NM_001206979.2 (MANE Select); coding-DNA positions 419 to 420, AAA inserted.
Protein change: p.Tyr139_Asn140insLys.
Molecular consequence: inframe insertion. On other transcripts: non-coding transcript variant (1).
Genome position: GRCh38 VCF-style: chr12-100511115-T-TAAA. GRCh37 (hg19) VCF-style: chr12-100904893-T-TAAA.
Other names: c.419_420insAAA, p.Tyr139_Asn140insLys (NM_001206977.2, NM_001206978.2, NM_005123.4); c.449_450insAAA, p.Tyr149_Asn150insLys (NM_001206992.2, NM_001206993.2).
Identifiers: ClinVar variation 219162 (VCV000219162.3), dbSNP rs879255644, ClinGen allele CA6739233.
Genomic context (GRCh38, chr12:100,511,115, plus strand): 5'-GAGGATCAAAGGGGATGAGCTGTGTGTTGTTTGTGGAGACAGAGCCTCTGGATACCACTA[T>TAAA]AATGCACTGACCTGTGAGGGGTGTAAAGGTAAGCATCTTTGATTGGCAGTTTTCTCCTTC-3'